The following is an entry in ClinVar:

ClinVar aggregate classification (germline): Uncertain significance (1 of 4 stars; one submission).

Conditions:
Hereditary spastic paraplegia 11. Also called: Nakamura Osame syndrome; Autosomal recessive hereditary spastic paraplegia, mental impairment, and thin corpus callosum; Spastic paraplegia, mental retardation and thin corpus callosum; SPASTIC PARAPLEGIA, AUTOSOMAL RECESSIVE, COMPLICATED, WITH THIN CORPUS CALLOSUM; SPASTIC PARAPLEGIA, AUTOSOMAL RECESSIVE, WITH MENTAL IMPAIRMENT AND THIN CORPUS CALLOSUM; Spastic Paraplegia 11. Identifiers: Orphanet 2822, MedGen C1858479, MONDO:0011445, OMIM 604360.

gnomAD v4.1: 1 of 1,613,804 alleles (0.000062%); highest among the groups gnomAD compares: African/African-American, 0.0013%; no homozygotes.

Submission:

Labcorp Genetics (formerly Invitae), Labcorp
Classification: Uncertain significance for Hereditary spastic paraplegia 11. Last evaluated: 2024-03-08. Review status: criteria provided, single submitter. Criteria: Invitae Variant Classification Sherloc (09022015). Collection method: clinical testing. Allele origin: germline.
Comment: This sequence change replaces arginine, which is basic and polar, with leucine, which is neutral and non-polar, at codon 2211 of the SPG11 protein (p.Arg2211Leu). This variant is not present in population databases (gnomAD no frequency). This variant has not been reported in the literature in individuals affected with SPG11-related conditions. Advanced modeling of protein sequence and biophysical properties (such as structural, functional, and spatial information, amino acid conservation, physicochemical variation, residue mobility, and thermodynamic stability) performed at Invitae indicates that this missense variant is not expected to disrupt SPG11 protein function with a negative predictive value of 80%. In summary, the available evidence is currently insufficient to determine the role of this variant in disease. Therefore, it has been classified as a Variant of Uncertain Significance.

NM_025137.4(SPG11):c.6632G>T (p.Arg2211Leu)

Gene: SPG11 (SPG11 vesicle trafficking associated, spatacsin; minus strand). Cytogenetic location: 15q21.1.
Variant type: single nucleotide variant.
Coding change: c.6632G>T on transcript NM_025137.4 (MANE Select); coding-DNA position 6632, G replaced by T.
Protein change: p.Arg2211Leu; replaces arginine 2211 with leucine.
Molecular consequence: missense variant.
Genome position (GRCh38, 1-based): chr15:44,567,546, C>A on the plus strand (G>T on the coding strand, the complement: SPG11 is on the minus strand). VCF-style: chr15-44567546-C-A. GRCh37 (hg19) VCF-style: chr15-44859744-C-A.
Other names: c.6293G>T, p.Arg2098Leu (NM_001160227.2); c.6488G>T, p.Arg2163Leu (NM_001411132.1); short protein forms R2098L, R2163L, R2211L.
Identifiers: ClinVar variation 3622602 (VCV003622602.2).